The following is an entry in ClinVar:

ClinVar aggregate classification (germline): Likely benign. Review status: criteria provided, multiple submitters, no conflicts (2 of 4 stars). 3 submissions from 3 submitters: Likely benign (3). Last evaluated 2026-01-19.

Conditions:
Jeune thoracic dystrophy. Also called: Jeune syndrome; Infantile thoracic dystrophy; Thoracic pelvic phalangeal dystrophy; Jeune's syndrome; Chondroectodermal dysplasia-like syndrome; Short-rib thoracic dysplasia. Identifiers: Orphanet 474, MedGen C0265275, MONDO:0018770.

Allele frequency attached by ClinVar (database versions not stated): ExAC 0.00003; gnomAD 0.00010 and 0.00011; gnomAD exomes 0.00012; TOPMed 0.00015; 1000 Genomes Project 0.00040; 1000 Genomes Project 30x 0.00062.
gnomAD v4.1: 115 of 1,613,508 alleles (0.0071%); highest among the groups gnomAD compares: Admixed American, 0.043%; no homozygotes.

Submissions (3):

Labcorp Genetics (formerly Invitae), Labcorp
Classification: Likely benign for Jeune thoracic dystrophy. Last evaluated: 2026-01-19. Review status: criteria provided, single submitter. Criteria: Invitae Variant Classification Sherloc (09022015). Collection method: clinical testing. Allele origin: germline.

Blueprint Genetics
Classification: Likely benign. Last evaluated: 2022-10-04. Review status: criteria provided, single submitter. Criteria: ACMG Guidelines, 2015. Collection method: clinical testing. Allele origin: germline.

GeneDx
Classification: Likely benign. Last evaluated: 2016-10-10. Review status: criteria provided, single submitter. Criteria: GeneDx Variant Classification (06012015). Collection method: clinical testing. Allele origin: germline. Affected: yes.
Comment: This variant is considered likely benign or benign based on one or more of the following criteria: it is a conservative change, it occurs at a poorly conserved position in the protein, it is predicted to be benign by multiple in silico algorithms, and/or has population frequency not consistent with disease.

NM_001377.3(DYNC2H1):c.6057A>G (p.Leu2019=)

Gene: DYNC2H1 (dynein cytoplasmic 2 heavy chain 1; plus strand). Cytogenetic location: 11q22.3.
Variant type: single nucleotide variant.
Coding change: c.6057A>G on transcript NM_001377.3 (MANE Select); coding-DNA position 6057, A replaced by G.
Protein change: p.Leu2019=; no amino-acid change (leucine 2019 retained).
Molecular consequence: synonymous variant.
Genome position (GRCh38, 1-based): chr11:103,177,738, A>G. VCF-style: chr11-103177738-A-G. GRCh37 (hg19) VCF-style: chr11-103048467-A-G.
Other names: c.6057A>G, p.Leu2019= (NM_001080463.2).
Identifiers: ClinVar variation 389980 (VCV000389980.12), dbSNP rs187190605, ClinGen allele CA6253878.
Genomic context (GRCh38, chr11:103,177,738, plus strand): 5'-TGGCAAAGTAGTGAAACAATATACTATGAATCCCAAAGCTATGCCTCGATATCAATTATT[A>G]GGCCATATTGACATGGACACAAGAGAATGGTCTGATGGTGTTTTGACAAATAGTGCTCGT-3'
Protein context (NP_001368.2, residues 2009-2029): NPKAMPRYQL[Leu2019=]GHIDMDTREW